The following is an entry in ClinVar:

NC_000001.10:g.(?_216380595)_(216592041_?)dup

Gene: USH2A (usherin; minus strand). Cytogenetic location: 1q41.
Variant type: Duplication.
Identifiers: ClinVar variation 3248080 (VCV003248080.1).

ClinVar aggregate classification (germline): Likely pathogenic (1 of 4 stars; one submission).

Submission:

Labcorp Genetics (formerly Invitae), Labcorp
Classification: Likely pathogenic. Last evaluated: 2023-11-07. Review status: criteria provided, single submitter. Criteria: Invitae Variant Classification Sherloc (09022015). Collection method: clinical testing. Allele origin: unknown.
Comment: This variant results in a copy number gain of the genomic region encompassing exon(s) 3-16 of the USH2A gene. While the exact position of this variant cannot be determined from the data, sub-genic copy number gains are generally in tandem (PMID: 25640679). This variant is predicted to be out-of-frame, and may result in an absent or disrupted protein product. Loss-of-function variants in USH2A are known to be pathogenic (PMID: 10729113, 10909849, 20507924, 25649381). This variant has not been reported in the literature in individuals affected with USH2A-related conditions. In summary, the currently available evidence indicates that the variant is pathogenic, but additional data are needed to prove that conclusively. Therefore, this variant has been classified as Likely Pathogenic.

Literature cited by the submitters: PubMed 25640679; PubMed 10729113; PubMed 10909849; PubMed 20507924; PubMed 25649381.